The following is an entry in ClinVar:

NM_006060.6(IKZF1):c.161-8614A>T

Gene: IKZF1 (IKAROS family zinc finger 1; plus strand). Cytogenetic location: 7p12.2.
Variant type: single nucleotide variant.
Coding change: c.161-8614A>T on transcript NM_006060.6 (MANE Select); 8614 bases into the intron before coding-DNA position 161, A replaced by T.
Molecular consequence: intron variant.
Genome position (GRCh38, 1-based): chr7:50,367,919, A>T. VCF-style: chr7-50367919-A-T. GRCh37 (hg19) VCF-style: chr7-50435617-A-T.
Other names: c.161-87A>T (NM_001410879.1, NM_001291846.2, NM_001291845.2 and 1 more transcripts); c.161-14621A>T (NM_001291839.2, NM_001291838.2, NM_001220767.2 and 1 more transcripts); c.161-8614A>T (NM_001220765.3, NM_001291837.2, NM_001220768.2 and 1 more transcripts); c.161-19426A>T (NM_001291841.1, NM_001291842.1); c.161-23810A>T (NM_001291843.1, NM_001291844.1); c.161-31999A>T (NM_001291840.1).
Identifiers: ClinVar variation 2628180 (VCV002628180.2), dbSNP rs11766800, ClinGen allele CA12507141.

ClinVar aggregate classification (germline): Benign (1 of 4 stars; one submission).

Allele frequency attached by ClinVar (database versions not stated): gnomAD exomes 0.33265; 1000 Genomes Project 0.38478; TOPMed 0.38947; 1000 Genomes Project 30x 0.39132; gnomAD 0.39303.
gnomAD v4.1: 208,933 of 600,606 alleles (35%); highest among the groups gnomAD compares: African/African-American, 52%; 38,605 homozygotes.

Submission:

Unidad de Genómica Garrahan, Hospital de Pediatría Garrahan
Classification: Benign. Last evaluated: 2023-11-12. Review status: criteria provided, single submitter. Criteria: ACMG Guidelines, 2015. Collection method: clinical testing. Allele origin: germline. Affected: no. Observed: 48 variant alleles.
Comment: This variant is classified as Benign based on local population frequency. This variant was detected in 50% of patients studied by a panel of primary immunodeficiencies. Number of patients: 48. Only high quality variants are reported.